The following is an entry in ClinVar:

NM_012330.4(KAT6B):c.2096C>T (p.Ala699Val)

Gene: KAT6B (lysine acetyltransferase 6B; plus strand). Cytogenetic location: 10q22.2.
Variant type: single nucleotide variant.
Coding change: c.2096C>T on transcript NM_012330.4 (MANE Select); coding-DNA position 2096, C replaced by T.
Protein change: p.Ala699Val; replaces alanine 699 with valine.
Molecular consequence: missense variant. On other transcripts: intron variant (3).
Genome position (GRCh38, 1-based): chr10:74,977,418, C>T. VCF-style: chr10-74977418-C-T. GRCh37 (hg19) VCF-style: chr10-76737176-C-T.
Other names: c.1220C>T, p.Ala407Val (NM_001370140.1, NM_001370141.1, NM_001370142.1 and 3 more transcripts); c.1031C>T, p.Ala344Val (NM_001370143.1, NM_001370144.1); c.846+7643C>T (NM_001370133.1); c.193-1806C>T (NM_001370134.1); c.193-11601C>T (NM_001370135.1); c.1547C>T, p.Ala516Val (NM_001256468.2, NM_001370138.1); c.2096C>T, p.Ala699Val (NM_001370136.1, NM_001370137.1); short protein forms A344V, A699V, A516V, A407V.
Identifiers: ClinVar variation 1370655 (VCV001370655.8), dbSNP rs2133747800, ClinGen allele CA377290557.

ClinVar aggregate classification (germline): Uncertain significance (1 of 4 stars; one submission).

Conditions:
Genitopatellar syndrome (GTPTS). Also called: Genitopatellar syndrome (GPS); ABSENT PATELLAE, SCROTAL HYPOPLASIA, RENAL ANOMALIES, FACIAL DYSMORPHISM, AND MENTAL RETARDATION. Identifiers: Orphanet 85201, MedGen C1853566, MONDO:0011640, OMIM 606170.

Submission:

Labcorp Genetics (formerly Invitae), Labcorp
Classification: Uncertain significance for Genitopatellar syndrome. Last evaluated: 2024-04-17. Review status: criteria provided, single submitter. Criteria: Invitae Variant Classification Sherloc (09022015). Collection method: clinical testing. Allele origin: germline.
Comment: This sequence change replaces alanine, which is neutral and non-polar, with valine, which is neutral and non-polar, at codon 699 of the KAT6B protein (p.Ala699Val). This variant is not present in population databases (gnomAD no frequency). This variant has not been reported in the literature in individuals affected with KAT6B-related conditions. ClinVar contains an entry for this variant (Variation ID: 1370655). Advanced modeling of protein sequence and biophysical properties (such as structural, functional, and spatial information, amino acid conservation, physicochemical variation, residue mobility, and thermodynamic stability) performed at Invitae indicates that this missense variant is not expected to disrupt KAT6B protein function with a negative predictive value of 80%. In summary, the available evidence is currently insufficient to determine the role of this variant in disease. Therefore, it has been classified as a Variant of Uncertain Significance.